The following is an entry in ClinVar:

ClinVar aggregate classification (germline): Uncertain significance (1 of 4 stars; one submission).

Submission:

Labcorp Genetics (formerly Invitae), Labcorp
Classification: Uncertain significance. Last evaluated: 2022-01-03. Review status: criteria provided, single submitter. Criteria: Invitae Variant Classification Sherloc (09022015). Collection method: clinical testing. Allele origin: germline.
Comment: This sequence change replaces glutamic acid, which is acidic and polar, with aspartic acid, which is acidic and polar, at codon 608 of the COL9A2 protein (p.Glu608Asp). This variant is not present in population databases (gnomAD no frequency). This variant has not been reported in the literature in individuals affected with COL9A2-related conditions. Advanced modeling of protein sequence and biophysical properties (such as structural, functional, and spatial information, amino acid conservation, physicochemical variation, residue mobility, and thermodynamic stability) performed at Invitae indicates that this missense variant is not expected to disrupt COL9A2 protein function. In summary, the available evidence is currently insufficient to determine the role of this variant in disease. Therefore, it has been classified as a Variant of Uncertain Significance.

NM_001852.4(COL9A2):c.1824A>C (p.Glu608Asp)

Gene: COL9A2 (collagen type IX alpha 2 chain; minus strand). Cytogenetic location: 1p34.2.
Variant type: single nucleotide variant.
Coding change: c.1824A>C on transcript NM_001852.4 (MANE Select); coding-DNA position 1824, A replaced by C.
Protein change: p.Glu608Asp; replaces glutamic acid 608 with aspartic acid.
Molecular consequence: missense variant.
Genome position (GRCh38, 1-based): chr1:40,301,858, T>G on the plus strand (A>C on the coding strand, the complement: COL9A2 is on the minus strand). VCF-style: chr1-40301858-T-G. GRCh37 (hg19) VCF-style: chr1-40767530-T-G.
Other names: short protein forms E608D.
Identifiers: ClinVar variation 2072183 (VCV002072183.4), dbSNP rs138949427, ClinGen allele CA339874734.